The following is an entry in ClinVar:

NM_001330588.2(TPP2):c.1915G>A (p.Val639Ile)

Gene: TPP2 (tripeptidyl peptidase 2; plus strand). Cytogenetic location: 13q33.1.
Variant type: single nucleotide variant.
Coding change: c.1915G>A on transcript NM_001330588.2 (MANE Select); coding-DNA position 1915, G replaced by A.
Protein change: p.Val639Ile; replaces valine 639 with isoleucine.
Molecular consequence: missense variant. On other transcripts: non-coding transcript variant (1).
Genome position (GRCh38, 1-based): chr13:102,640,271, G>A. VCF-style: chr13-102640271-G-A. GRCh37 (hg19) VCF-style: chr13-103292621-G-A.
Other names: c.1915G>A, p.Val639Ile (NM_001367947.1, NM_003291.4); short protein forms V639I.
Identifiers: ClinVar variation 2134565 (VCV002134565.1), dbSNP rs1882666129, ClinGen allele CA388491836.

ClinVar aggregate classification (germline): Uncertain significance (1 of 4 stars; one submission).

Conditions:
Evans syndrome, immunodeficiency, and premature immunosenescence associated with tripeptidyl-peptidase II deficiency. Identifiers: MedGen CN231723. Disease mechanism: loss of function.

Submission:

Labcorp Genetics (formerly Invitae), Labcorp
Classification: Uncertain significance for Evans syndrome, immunodeficiency, and premature immunosenescence associated with tripeptidyl-peptidase II deficiency. Last evaluated: 2022-05-06. Review status: criteria provided, single submitter. Criteria: Invitae Variant Classification Sherloc (09022015). Collection method: clinical testing. Allele origin: germline.
Comment: This sequence change replaces valine, which is neutral and non-polar, with isoleucine, which is neutral and non-polar, at codon 639 of the TPP2 protein (p.Val639Ile). This variant is not present in population databases (gnomAD no frequency). This variant has not been reported in the literature in individuals affected with TPP2-related conditions. Algorithms developed to predict the effect of missense changes on protein structure and function (SIFT, PolyPhen-2, Align-GVGD) all suggest that this variant is likely to be tolerated. In summary, the available evidence is currently insufficient to determine the role of this variant in disease. Therefore, it has been classified as a Variant of Uncertain Significance.